The following is an entry in ClinVar:

NM_002734.5(PRKAR1A):c.385G>A (p.Ala129Thr)

Gene: PRKAR1A (protein kinase cAMP-dependent type I regulatory subunit alpha; plus strand). Cytogenetic location: 17q24.2.
Variant type: single nucleotide variant.
Coding change: c.385G>A on transcript NM_002734.5 (MANE Select); coding-DNA position 385, G replaced by A.
Protein change: p.Ala129Thr; replaces alanine 129 with threonine.
Molecular consequence: missense variant.
Genome position (GRCh38, 1-based): chr17:68,523,761, G>A. VCF-style: chr17-68523761-G-A. GRCh37 (hg19) VCF-style: chr17-66519902-G-A.
Other names: c.385G>A, p.Ala129Thr (NM_001276289.2, NM_001276290.1, NM_001278433.2 and 4 more transcripts); short protein forms A129T.
Identifiers: ClinVar variation 1391456 (VCV001391456.10), dbSNP rs2143288703, ClinGen allele CA400752623.

ClinVar aggregate classification (germline): Uncertain significance. Review status: criteria provided, multiple submitters, no conflicts (2 of 4 stars). 2 submissions from 2 submitters: Uncertain significance (2). Last evaluated 2021-08-05.

Conditions:
Hereditary cancer-predisposing syndrome. Also called: Neoplastic Syndromes, Hereditary; Hereditary neoplastic syndrome; Tumor predisposition; Hereditary Cancer Syndrome. Identifiers: Orphanet 140162, MedGen C0027672, MeSH D009386, MONDO:0015356.
Carney complex, type 1 (CNC1). Also called: CARNEY MYXOMA-ENDOCRINE COMPLEX; CARNEY COMPLEX, TYPE I. Identifiers: Orphanet 1359, MedGen C2607929, MONDO:0008057, OMIM 160980.

Submissions (2):

Ambry Genetics
Classification: Uncertain significance for Hereditary cancer-predisposing syndrome. Last evaluated: 2021-08-05. Review status: criteria provided, single submitter. Criteria: Ambry Variant Classification Scheme 2023. Collection method: clinical testing. Allele origin: germline.
Comment: The p.A129T variant (also known as c.385G>A), located in coding exon 3 of the PRKAR1A gene, results from a G to A substitution at nucleotide position 385. The alanine at codon 129 is replaced by threonine, an amino acid with similar properties. This amino acid position is highly conserved in available vertebrate species. In addition, the in silico prediction for this alteration is inconclusive. Since supporting evidence is limited at this time, the clinical significance of this alteration remains unclear.

Labcorp Genetics (formerly Invitae), Labcorp
Classification: Uncertain significance for Carney complex, type 1. Last evaluated: 2020-11-20. Review status: criteria provided, single submitter. Criteria: Invitae Variant Classification Sherloc (09022015). Collection method: clinical testing. Allele origin: germline.
Comment: In summary, the available evidence is currently insufficient to determine the role of this variant in disease. Therefore, it has been classified as a Variant of Uncertain Significance. Algorithms developed to predict the effect of missense changes on protein structure and function (SIFT, PolyPhen-2, Align-GVGD) all suggest that this variant is likely to be tolerated, but these predictions have not been confirmed by published functional studies and their clinical significance is uncertain. This variant has not been reported in the literature in individuals with PRKAR1A-related conditions. This variant is not present in population databases (ExAC no frequency). This sequence change replaces alanine with threonine at codon 129 of the PRKAR1A protein (p.Ala129Thr). The alanine residue is moderately conserved and there is a small physicochemical difference between alanine and threonine.